The following is an entry in ClinVar:

NM_001128840.3(CACNA1D):c.5396C>T (p.Ser1799Phe)

Gene: CACNA1D (calcium voltage-gated channel subunit alpha1 D; plus strand). Cytogenetic location: 3p21.1.
Variant type: single nucleotide variant.
Coding change: c.5396C>T on transcript NM_001128840.3 (MANE Select); coding-DNA position 5396, C replaced by T.
Protein change: p.Ser1799Phe; replaces serine 1799 with phenylalanine.
Molecular consequence: missense variant.
Genome position (GRCh38, 1-based): chr3:53,801,413, C>T. VCF-style: chr3-53801413-C-T. GRCh37 (hg19) VCF-style: chr3-53835440-C-T.
Other names: c.5456C>T, p.Ser1819Phe (NM_000720.4); c.5351C>T, p.Ser1784Phe (NM_001128839.3); short protein forms S1784F, S1799F, S1819F.
Identifiers: ClinVar variation 2982169 (VCV002982169.3), dbSNP rs766812720, ClinGen allele CA2455111.
Genomic context (GRCh38, chr3:53,801,413, plus strand): 5'-ATGTGTCTGAAAATGGGCATCATTCTTCCCACAAGCATGACCGGGAGCCTCAGAGAAGGT[C>T]CAGTGTGAAAAGGTAACCTTGACAATGTGTTTGGACTTGCTCATGTGGTGTCTGCCCGTG-3'
Protein context (NP_001122312.1, residues 1789-1809): HKHDREPQRR[Ser1799Phe]SVKRTRYYET

ClinVar aggregate classification (germline): Uncertain significance (1 of 4 stars; one submission).

Allele frequency attached by ClinVar (database versions not stated): ExAC 0.00002.
gnomAD v4.1: 12 of 1,613,990 alleles (0.00074%); highest among the groups gnomAD compares: South Asian, 0.011%; no homozygotes.

Submission:

Labcorp Genetics (formerly Invitae), Labcorp
Classification: Uncertain significance. Last evaluated: 2025-02-05. Review status: criteria provided, single submitter. Criteria: Invitae Variant Classification Sherloc (09022015). Collection method: clinical testing. Allele origin: germline.
Comment: This sequence change replaces serine, which is neutral and polar, with phenylalanine, which is neutral and non-polar, at codon 1819 of the CACNA1D protein (p.Ser1819Phe). This variant is present in population databases (rs766812720, gnomAD 0.003%). This variant has not been reported in the literature in individuals affected with CACNA1D-related conditions. ClinVar contains an entry for this variant (Variation ID: 2982169). An algorithm developed to predict the effect of missense changes on protein structure and function (PolyPhen-2) suggests that this variant is likely to be tolerated. In summary, the available evidence is currently insufficient to determine the role of this variant in disease. Therefore, it has been classified as a Variant of Uncertain Significance.